The following is an entry in ClinVar:

ClinVar aggregate classification (germline): Pathogenic (1 of 4 stars; one submission).

Submission:

Labcorp Genetics (formerly Invitae), Labcorp
Classification: Pathogenic. Last evaluated: 2022-07-05. Review status: criteria provided, single submitter. Criteria: Invitae Variant Classification Sherloc (09022015). Collection method: clinical testing. Allele origin: germline.
Comment: This variant disrupts a region of the POU3F4 protein in which other variant(s) (p.Ala116Profs*26) have been determined to be pathogenic (PMID: 19671658; Invitae). This suggests that this is a clinically significant region of the protein, and that variants that disrupt it are likely to be disease-causing. ClinVar contains an entry for this variant (Variation ID: 1418463). This variant has not been reported in the literature in individuals affected with POU3F4-related conditions. This variant is not present in population databases (gnomAD no frequency). This sequence change creates a premature translational stop signal (p.Val58*) in the POU3F4 gene. While this is not anticipated to result in nonsense mediated decay, it is expected to disrupt the last 304 amino acid(s) of the POU3F4 protein. For these reasons, this variant has been classified as Pathogenic.

Literature cited by the submitters: PubMed 19671658.

NM_000307.5(POU3F4):c.172del (p.Trp57_Val58insTer)

Gene: POU3F4 (POU class 3 homeobox 4; plus strand). Cytogenetic location: Xq21.1.
Variant type: Deletion.
Coding change: c.172del on transcript NM_000307.5 (MANE Select); coding-DNA position 172, one base deleted (G; older notation c.172delG).
Protein change: p.Trp57_Val58insTer.
Molecular consequence: nonsense.
Genome position (GRCh38, 1-based): chrX:83,508,496, G deleted; the last of 3 consecutive G bases (chrX:83,508,494-83,508,496); deleting any one gives the same sequence. VCF-style (leftmost placement, unchanged base first): chrX-83508493-TG-T. GRCh37 (hg19) VCF-style: chrX-82763501-TG-T.
Identifiers: ClinVar variation 1418463 (VCV001418463.8), dbSNP rs2147996313, ClinGen allele CA2573159632.
Genomic context (GRCh38, chrX:83,508,493, plus strand): 5'-CTTCTCCAAAGTGATTACTTGCAGGGAGTTCCCAGCAATGGGCATCCCCTCGGGCATCAC[TG>T]GGTGACCAGTCTGAGCGACGGGGGCCCATGGTCCTCCACACTGGCCACCAGCCCCCTGGA-3'